The following is an entry in ClinVar:

ClinVar aggregate classification (germline): Uncertain significance (1 of 4 stars; one submission).

Conditions:
Cardiomyopathy (CMYO). Also called: Cardiomyopathies. Identifiers: Orphanet 167848, MedGen C0878544, MONDO:0004994, HP:0001638. Inheritance: Various modes of inheritance.

Submission:

All of Us Research Program, National Institutes of Health
Classification: Uncertain significance for Cardiomyopathy. Last evaluated: 2023-12-13. Review status: criteria provided, single submitter. Criteria: ACMG Guidelines, 2015. Collection method: clinical testing. Allele origin: germline. Inheritance: Autosomal dominant inheritance. Observed: 2 variant alleles, 2 heterozygotes.
Comment: This variant inserts 1 nucleotide in exon 7 of the MYH7 gene, creating a premature translation stop signal. This variant is expected to result in an absent or non-functional protein product. To our knowledge, this variant has not been reported in individuals affected with MYH7-related disorders in the literature. This variant has not been identified in the general population by the Genome Aggregation Database (gnomAD). Clinical relevance of loss-of-function MYH7 truncation variants in autosomal dominant cardiovascular disorders is not clearly established. The available evidence is insufficient to determine the role of this variant in disease conclusively. Therefore, this variant is classified as a Variant of Uncertain Significance.

This study involves interpretation of variants in research participants for the purpose of population health screening. Participant phenotype was not available at the time of variant classification. Additional details can be found in publication PMID: 35346344, PMCID: PMC8962531

NM_000257.4(MYH7):c.533_538dup (p.Ser180Ter)

Gene: MYH7 (myosin heavy chain 7; minus strand). Cytogenetic location: 14q11.2.
Variant type: Duplication.
Coding change: c.533_538dup on transcript NM_000257.4 (MANE Select); coding-DNA positions 533 to 538, 6 bases duplicated (GAGAAT; older notation c.533_538dupGAGAAT).
Protein change: p.Ser180Ter; replaces serine 180 with a stop codon.
Molecular consequence: nonsense.
Genome position (GRCh38, 1-based): chr14:23,431,862-23,431,867, ATTCTC duplicated on the plus strand (GAGAAT on the coding strand, the reverse complement: MYH7 is on the minus strand). VCF-style (leftmost placement, unchanged base first): chr14-23431861-G-GATTCTC. GRCh37 (hg19) VCF-style: chr14-23901070-G-GATTCTC.
Other names: c.533_538dup, p.Ser180Ter (NM_001407004.1); short protein forms S180*.
Identifiers: ClinVar variation 3074311 (VCV003074311.1), dbSNP rs1892960004, ClinGen allele CA2123452885.